The following is an entry in ClinVar:

ClinVar aggregate classification (germline): Likely pathogenic (1 of 4 stars; one submission).

Conditions:
Developmental and epileptic encephalopathy, 9 (DEE9). Also called: Early infantile epileptic encephalopathy 9; EPILEPSY, FEMALE-RESTRICTED, WITH MENTAL RETARDATION; JUBERG-HELLMAN SYNDROME; PCDH19-Related X-Linked Female-Limited Epilepsy with Mental Retardation. Identifiers: Orphanet 101039, Orphanet 2076, MedGen C1848137, MONDO:0010246, OMIM 300088. Disease mechanism: loss of function.

Submission:

Labcorp Genetics (formerly Invitae), Labcorp
Classification: Likely pathogenic for Developmental and epileptic encephalopathy, 9. Last evaluated: 2021-12-12. Review status: criteria provided, single submitter. Criteria: Invitae Variant Classification Sherloc (09022015). Collection method: clinical testing. Allele origin: germline.
Comment: In summary, the currently available evidence indicates that the variant is pathogenic, but additional data are needed to prove that conclusively. Therefore, this variant has been classified as Likely Pathogenic. This variant has not been reported in the literature in individuals affected with PCDH19-related conditions. This variant results in a copy number gain of the genomic region encompassing exon(s) 5 of the PCDH19 gene. While the exact position of this variant cannot be determined from the data, sub-genic copy number gains are generally in tandem (PMID: 25640679). This variant is predicted to be out-of-frame, and may result in an absent or disrupted protein product. Loss-of-function variants in PCDH19 are known to be pathogenic (PMID: 21053371).

Literature cited by the submitters: PubMed 25640679; PubMed 21053371.

NC_000023.10:g.(?_99596881)_(99597093_?)dup

Gene: PCDH19 (protocadherin 19; minus strand). Cytogenetic location: Xq22.1.
Variant type: Duplication.
Identifiers: ClinVar variation 2423946 (VCV002423946.6).